The following is an entry in ClinVar:

NM_002454.3(MTRR):c.740del (p.Pro247fs)

Gene: MTRR (5-methyltetrahydrofolate-homocysteine methyltransferase reductase; plus strand). Cytogenetic location: 5p15.31.
Variant type: Deletion.
Coding change: c.740del on transcript NM_002454.3 (MANE Select); coding-DNA position 740, one base deleted (C; older notation c.740delC).
Protein change: p.Pro247fs; shifts the reading frame from proline 247.
Molecular consequence: frameshift variant. On other transcripts: non-coding transcript variant (14).
Genome position (GRCh38, 1-based): chr5:7,878,282, C deleted; the last of 5 consecutive C bases (chr5:7,878,278-7,878,282); deleting any one gives the same sequence. VCF-style (leftmost placement, unchanged base first): chr5-7878277-AC-A. GRCh37 (hg19) VCF-style: chr5-7878390-AC-A.
Other names: c.740delC (NM_002454.2); c.740del, p.Pro247fs (NM_001364440.2, NM_001364441.2, NM_001364442.2 and 1 more transcripts); short protein forms P247fs.
Identifiers: ClinVar variation 953925 (VCV000953925.10), dbSNP rs752858024, ClinGen allele CA3195679.

ClinVar aggregate classification (germline): Pathogenic/Likely pathogenic. Review status: criteria provided, multiple submitters, no conflicts (2 of 4 stars). 3 submissions from 3 submitters: Pathogenic (1); Likely pathogenic (2). Last evaluated 2024-09-21.

Conditions:
Neural tube defects, folate-sensitive (NTDFS). Also called: NTD, FOLATE-SENSITIVE. Identifiers: Orphanet 823, MedGen C1866558, MONDO:0011120, OMIM 601634.
Methylcobalamin deficiency type cblE (HMAE). Also called: VITAMIN B12-RESPONSIVE HOMOCYSTINURIA, cblE TYPE; HOMOCYSTINURIA-MEGALOBLASTIC ANEMIA, cblE COMPLEMENTATION TYPE; HOMOCYSTINURIA-MEGALOBLASTIC ANEMIA, cblE TYPE. Identifiers: Orphanet 2169, Orphanet 622, MedGen C1856057, MONDO:0009354, OMIM 236270.

Submissions (3):

Natera, Inc.
Classification: Likely pathogenic for CblE complementation type homocystinuria-megaloblastic anemia due to defect in cobalamin metabolism. Last evaluated: 2024-09-21. Review status: criteria provided, single submitter. Criteria: Natera Variant Classification Schema (03/2026). Collection method: clinical testing. Allele origin: germline.
Comment: The c.740delC variant in MTRR is a frameshift variant predicted to shift the reading frame beginning at codon 247 and leads to a stop codon 21 codons downstream. This variant is expected to result in nonsense mediated decay, truncation, or a dysfunctional protein product. This variant is rare in the general population with a frequency below the threshold expected for the associated phenotype(s). Given the available evidence, this variant is classified as Likely Pathogenic.

Baylor Genetics
Classification: Likely pathogenic for Neural tube defects, folate-sensitive. Last evaluated: 2023-08-10. Review status: criteria provided, single submitter. Criteria: ACMG Guidelines, 2015. Collection method: clinical testing. Allele origin: unknown.

Labcorp Genetics (formerly Invitae), Labcorp
Classification: Pathogenic for Methylcobalamin deficiency type cblE. Last evaluated: 2023-02-06. Review status: criteria provided, single submitter. Criteria: Invitae Variant Classification Sherloc (09022015). Collection method: clinical testing. Allele origin: germline.
Comment: This variant is present in population databases (rs752858024, gnomAD 0.002%). This sequence change creates a premature translational stop signal (p.Pro247Glnfs*21) in the MTRR gene. It is expected to result in an absent or disrupted protein product. Loss-of-function variants in MTRR are known to be pathogenic (PMID: 15714522). This variant has not been reported in the literature in individuals affected with MTRR-related conditions. ClinVar contains an entry for this variant (Variation ID: 953925). For these reasons, this variant has been classified as Pathogenic.

Literature cited by the submitters: PubMed 15714522 (cited by Labcorp Genetics (formerly Invitae), Labcorp).